The following is an entry in ClinVar:

NM_001378454.1(ALMS1):c.11547+5A>G

Gene: ALMS1 (ALMS1 centrosome and basal body associated protein; plus strand). Cytogenetic location: 2p13.1.
Variant type: single nucleotide variant.
Coding change: c.11547+5A>G on transcript NM_001378454.1 (MANE Select); 5 bases into the intron after coding-DNA position 11547, A replaced by G.
Molecular consequence: intron variant.
Genome position (GRCh38, 1-based): chr2:73,573,429, A>G. VCF-style: chr2-73573429-A-G. GRCh37 (hg19) VCF-style: chr2-73800556-A-G.
Other names: c.11547+5A>G (NM_015120.4).
Identifiers: ClinVar variation 2173430 (VCV002173430.1), dbSNP rs1181494101, ClinGen allele CA347290843.

ClinVar aggregate classification (germline): Uncertain significance (1 of 4 stars; one submission).

Conditions:
Alstrom syndrome (ALMS). Identifiers: Orphanet 64, MedGen C0268425, MONDO:0008763, OMIM 203800.

Allele frequency attached by ClinVar (database versions not stated): gnomAD exomes below 0.00001.
gnomAD v4.1: 4 of 1,613,896 alleles (0.00025%); highest among the groups gnomAD compares: Admixed American, 0.0017%; no homozygotes.

Submission:

Labcorp Genetics (formerly Invitae), Labcorp
Classification: Uncertain significance for Alstrom syndrome. Last evaluated: 2022-05-21. Review status: criteria provided, single submitter. Criteria: Invitae Variant Classification Sherloc (09022015). Collection method: clinical testing. Allele origin: germline.
Comment: This sequence change falls in intron 16 of the ALMS1 gene. It does not directly change the encoded amino acid sequence of the ALMS1 protein. It affects a nucleotide within the consensus splice site. This variant is present in population databases (no rsID available, gnomAD 0.003%). This variant has not been reported in the literature in individuals affected with ALMS1-related conditions. Variants that disrupt the consensus splice site are a relatively common cause of aberrant splicing (PMID: 17576681, 9536098). Algorithms developed to predict the effect of sequence changes on RNA splicing suggest that this variant may disrupt the consensus splice site. In summary, the available evidence is currently insufficient to determine the role of this variant in disease. Therefore, it has been classified as a Variant of Uncertain Significance.

Literature cited by the submitters: PubMed 17576681; PubMed 9536098.